The following is an entry in ClinVar:

ClinVar aggregate classification (germline): Conflicting classifications of pathogenicity. Review status: criteria provided, conflicting classifications (1 of 4 stars). 4 submissions from 4 submitters: Likely pathogenic (1); Uncertain significance (3). Last evaluated 2022-02-21.

Conditions:
Inborn genetic diseases. Identifiers: MedGen C0950123, MeSH D030342.
Thrombophilia due to protein C deficiency, autosomal dominant. Also called: PROC DEFICIENCY, AUTOSOMAL DOMINANT; PROTEIN C DEFICIENCY, AUTOSOMAL DOMINANT. Identifiers: Orphanet 745, MedGen C2674321, MONDO:0008316, OMIM 176860. Disease mechanism: loss of function.

Submissions (4):

Mayo Clinic Laboratories, Mayo Clinic
Classification: Likely pathogenic. Last evaluated: 2022-02-21. Review status: criteria provided, single submitter. Criteria: ACMG Guidelines, 2015. Collection method: clinical testing. Allele origin: germline. Observed: 2 variant alleles.
Comment: PM2, PM4, PS4_moderate

Labcorp Genetics (formerly Invitae), Labcorp
Classification: Uncertain significance for Thrombophilia due to protein C deficiency, autosomal dominant. Last evaluated: 2021-10-27. Review status: criteria provided, single submitter. Criteria: Invitae Variant Classification Sherloc (09022015). Collection method: clinical testing. Allele origin: germline.
Comment: This variant, c.355_372del, results in the deletion of 6 amino acid(s) of the PROC protein (p.Ser119_Ser124del), but otherwise preserves the integrity of the reading frame. This variant is not present in population databases (gnomAD no frequency). This variant has not been reported in the literature in individuals affected with PROC-related conditions. ClinVar contains an entry for this variant (Variation ID: 985222). Experimental studies and prediction algorithms are not available or were not evaluated, and the functional significance of this variant is currently unknown. In summary, the available evidence is currently insufficient to determine the role of this variant in disease. Therefore, it has been classified as a Variant of Uncertain Significance.

Revvity Omics, Revvity
Classification: Uncertain significance. Last evaluated: 2020-02-06. Review status: criteria provided, single submitter. Criteria: ACMG Guidelines, 2015. Collection method: clinical testing. Allele origin: germline.

Ambry Genetics
Classification: Uncertain significance for Inborn genetic diseases. Last evaluated: 2019-10-28. Review status: criteria provided, single submitter. Criteria: Ambry exome assertion method (8-5-2015). Collection method: clinical testing. Allele origin: germline. Affected: yes. Observed: 1 variant allele.

NM_000312.4(PROC):c.355_372del (p.Ser119_Ser124del)

Gene: PROC (protein C, inactivator of coagulation factors Va and VIIIa; plus strand). Cytogenetic location: 2q14.3.
Variant type: Deletion.
Coding change: c.355_372del on transcript NM_000312.4 (MANE Select); coding-DNA positions 355 to 372, 18 bases deleted (AGCTGCGACTGCCGCAGC).
Protein change: p.Ser119_Ser124del.
Molecular consequence: inframe deletion.
Genome position (GRCh38, 1-based): chr2:127,423,126-127,423,143, AGCTGCGACTGCCGCAGC deleted; deleting any 18 consecutive bases within chr2:127,423,125-127,423,143 gives the same sequence; the c. name uses the placement nearest the transcript's 3' end. VCF-style (leftmost placement, unchanged base first): chr2-127423124-TCAGCTGCGACTGCCGCAG-T. GRCh37 (hg19) VCF-style: chr2-128180700-TCAGCTGCGACTGCCGCAG-T.
Other names: p.Ser119_Ser124del; c.538_555del, p.Ser180_Ser185del (NM_001375602.1); c.418_435del, p.Ser140_Ser145del (NM_001375603.1, NM_001375604.1); c.355_372del, p.Ser119_Ser124del (NM_001375605.1, NM_001375608.1, NM_001375611.1 and 1 more transcripts); c.510_527del, p.Ala172_Ala177del (NM_001375606.1); c.439_456del, p.Ser147_Ser152del (NM_001375607.1); c.331_348del, p.Ser111_Ser116del (NM_001375609.1); c.349_366del, p.Ser117_Ser122del (NM_001375610.1); and 2 more.
Identifiers: ClinVar variation 985222 (VCV000985222.12), dbSNP rs1436671530, ClinGen allele CA756627006.
Genomic context (GRCh38, chr2:127,423,124, plus strand): 5'-AGCACCCGTGCGCCAGCCTGTGCTGCGGGCACGGCACGTGCATCGACGGCATCGGCAGCT[TCAGCTGCGACTGCCGCAG>T]CGGCTGGGAGGGCCGCTTCTGCCAGCGCGGTGAGGGGGAGAGGTGGATGCTGGCGGGCGG-3'